The following is an entry in ClinVar:

NM_000059.4(BRCA2):c.9270_9271insTATTT (p.Val3091fs)

Gene: BRCA2 (BRCA2 DNA repair associated; plus strand). Cytogenetic location: 13q13.1.
Variant type: Insertion.
Coding change: c.9270_9271insTATTT on transcript NM_000059.4 (MANE Select); coding-DNA positions 9270 to 9271, TATTT inserted.
Protein change: p.Val3091fs; shifts the reading frame from valine 3091.
Molecular consequence: frameshift variant.
Genome position: GRCh38 VCF-style: chr13-32394702-C-CTATTT. GRCh37 (hg19) VCF-style: chr13-32968839-C-CTATTT.
Other names: short protein forms V3091fs.
Identifiers: ClinVar variation 531330 (VCV000531330.7), dbSNP rs1555289501, ClinGen allele CA658798089.
Genomic context (GRCh38, chr13:32,394,702, plus strand): 5'-ATCTAACACATCTATAATAACATTCTTTTCTTTTTTTTCCATTCTAGGACTTGCCCCTTT[C>CTATTT]GTCTATTTGTCAGACGAATGTTACAATTTACTGGCAATAAAGTTTTGGATAGACCTTAAT-3'

ClinVar aggregate classification (germline): Pathogenic (1 of 4 stars; one submission).

Conditions:
Hereditary breast ovarian cancer syndrome. Also called: Hereditary breast and ovarian cancer syndrome (HBOC); BRCA1- and BRCA2-Associated Hereditary Breast and Ovarian Cancer; Hereditary breast and ovarian cancer syndrome; Breast and ovarian cancer; Hereditary breast and ovarian cancer; Hereditary breast and/or ovarian cancer syndrome. Identifiers: Orphanet 145, MedGen C0677776, MeSH D061325, MONDO:0003582. Disease mechanism: loss of function.

Submission:

Labcorp Genetics (formerly Invitae), Labcorp
Classification: Pathogenic for Hereditary breast ovarian cancer syndrome. Last evaluated: 2022-01-27. Review status: criteria provided, single submitter. Criteria: Invitae Variant Classification Sherloc (09022015). Collection method: clinical testing. Allele origin: germline.
Comment: For these reasons, this variant has been classified as Pathogenic. ClinVar contains an entry for this variant (Variation ID: 531330). This variant has not been reported in the literature in individuals affected with BRCA2-related conditions. This variant is not present in population databases (gnomAD no frequency). This sequence change creates a premature translational stop signal (p.Val3091Tyrfs*15) in the BRCA2 gene. It is expected to result in an absent or disrupted protein product. Loss-of-function variants in BRCA2 are known to be pathogenic (PMID: 20104584).

Literature cited by the submitters: PubMed 20104584.